The following is an entry in ClinVar:

ClinVar aggregate classification (germline): Uncertain significance (1 of 4 stars; one submission).

Conditions:
Aortic valve disease 2 (AOVD2). Identifiers: MedGen C3542024, MONDO:0013902, OMIM 614823.

Allele frequency attached by ClinVar (database versions not stated): gnomAD exomes below 0.00001.
gnomAD v4.1: 1 of 1,491,332 alleles (0.000067%); highest among the groups gnomAD compares: Admixed American, 0.0023%; no homozygotes.

Submission:

Labcorp Genetics (formerly Invitae), Labcorp
Classification: Uncertain significance for Aortic valve disease 2. Last evaluated: 2024-01-12. Review status: criteria provided, single submitter. Criteria: Invitae Variant Classification Sherloc (09022015). Collection method: clinical testing. Allele origin: germline.
Comment: This sequence change replaces valine, which is neutral and non-polar, with leucine, which is neutral and non-polar, at codon 10 of the SMAD6 protein (p.Val10Leu). The frequency data for this variant in the population databases is considered unreliable, as metrics indicate poor data quality at this position in the gnomAD database. This variant has not been reported in the literature in individuals affected with SMAD6-related conditions. An algorithm developed to predict the effect of missense changes on protein structure and function (PolyPhen-2) suggests that this variant is likely to be disruptive. In summary, the available evidence is currently insufficient to determine the role of this variant in disease. Therefore, it has been classified as a Variant of Uncertain Significance.

NM_005585.5(SMAD6):c.28G>T (p.Val10Leu)

Gene: SMAD6 (SMAD family member 6; plus strand). Cytogenetic location: 15q22.31.
Variant type: single nucleotide variant.
Coding change: c.28G>T on transcript NM_005585.5 (MANE Select); coding-DNA position 28, G replaced by T.
Protein change: p.Val10Leu; replaces valine 10 with leucine.
Molecular consequence: missense variant. On other transcripts: non-coding transcript variant (1).
Genome position (GRCh38, 1-based): chr15:66,703,286, G>T. VCF-style: chr15-66703286-G-T. GRCh37 (hg19) VCF-style: chr15-66995624-G-T.
Other names: short protein forms V10L.
Identifiers: ClinVar variation 2706614 (VCV002706614.3), dbSNP rs1351609155, ClinGen allele CA392948308.
Genomic context (GRCh38, chr15:66,703,286, plus strand): 5'-CTCCCCCCCACCCCTGGCGCCAAAGGATATCGTATGTTCAGGTCCAAACGCTCGGGGCTG[G>T]TGCGGCGACTTTGGCGAAGTCGTGTGGTCCCCGACCGGGAGGAAGGCGGCAGCGGCGGCG-3'
Protein context (NP_005576.3, residues 1-20): MFRSKRSGL[Val10Leu]RRLWRSRVVP